The following is an entry in ClinVar:

NM_001365088.1(SLC12A6):c.2285T>A (p.Leu762Ter)

Gene: SLC12A6 (solute carrier family 12 member 6; minus strand). Cytogenetic location: 15q14.
Variant type: single nucleotide variant.
Coding change: c.2285T>A on transcript NM_001365088.1 (MANE Select); coding-DNA position 2285, T replaced by A.
Protein change: p.Leu762Ter; replaces leucine 762 with a stop codon.
Molecular consequence: nonsense.
Genome position (GRCh38, 1-based): chr15:34,240,812, A>T on the plus strand (T>A on the coding strand, the complement: SLC12A6 is on the minus strand). VCF-style: chr15-34240812-A-T. GRCh37 (hg19) VCF-style: chr15-34533013-A-T.
Other names: c.2108T>A, p.Leu703Ter (NM_001042495.2, NM_001042494.2); c.2258T>A, p.Leu753Ter (NM_001042496.2); c.2240T>A, p.Leu747Ter (NM_001042497.2); c.2132T>A, p.Leu711Ter (NM_005135.2); c.2285T>A, p.Leu762Ter (NM_133647.2); short protein forms L703*, L711*, L747*, L753*, L762*.
Identifiers: ClinVar variation 1726214 (VCV001726214.2), dbSNP rs2509761962, ClinGen allele CA391619868.

ClinVar aggregate classification (germline): Likely pathogenic (1 of 4 stars; one submission).

Conditions:
Agenesis of the corpus callosum with peripheral neuropathy (ACCPN). Also called: CHARLEVOIX DISEASE; POLYNEUROPATHY, SENSORIMOTOR, WITH OR WITHOUT AGENESIS OF THE CORPUS CALLOSUM; HMSN/ACC; Hereditary Motor and Sensory Neuropathy with Agenesis of the Corpus Callosum. Identifiers: Orphanet 1496, MedGen C0795950, MONDO:0000902, OMIM 218000. Disease mechanism: loss of function.

Submission:

Myriad Genetics, Inc.
Classification: Likely pathogenic for Agenesis of the corpus callosum with peripheral neuropathy. Last evaluated: 2022-05-26. Review status: criteria provided, single submitter. Criteria: Myriad Women's Health Autosomal Recessive and X-Linked Classification Criteria (2021). Collection method: clinical testing. Allele origin: unknown.
Comment: NM_133647.1(SLC12A6):c.2285T>A(L762*) is expected to be pathogenic in the context of Andermann syndrome. This variant is predicted to lead to an abnormal or absent protein product due to the creation of a premature termination codon in SLC12A6, a gene where loss-of-function variants are known to be pathogenic. Please note: this variant was assessed in the context of healthy population screening.